The following is an entry in ClinVar:

NM_000153.4(GALC):c.1731C>T (p.Phe577=)

Gene: GALC (galactosylceramidase; minus strand). Cytogenetic location: 14q31.3.
Variant type: single nucleotide variant.
Coding change: c.1731C>T on transcript NM_000153.4 (MANE Select); coding-DNA position 1731, C replaced by T.
Protein change: p.Phe577=; no amino-acid change (phenylalanine 577 retained).
Molecular consequence: synonymous variant.
Genome position (GRCh38, 1-based): chr14:87,941,498, G>A on the plus strand (C>T on the coding strand, the complement: GALC is on the minus strand). VCF-style: chr14-87941498-G-A. GRCh37 (hg19) VCF-style: chr14-88407842-G-A.
Other names: c.1662C>T, p.Phe554= (NM_001201401.2); c.1653C>T, p.Phe551= (NM_001201402.2).
Identifiers: ClinVar variation 314745 (VCV000314745.43), dbSNP rs201560122, ClinGen allele CA7296932.
Genomic context (GRCh38, chr14:87,941,498, plus strand): 5'-GAAGAAAATTCCTCTGGCACTTCTAATCAAAATACCACCTTTATTTACTCTTCCTGCAAT[G>A]AACACACCTCCTGTGTCAGGGGTCTCTATGTATACATCACACTTTATAGTCAGATTGGTC-3'
Protein context (NP_000144.2, residues 567-587): YIETPDTGGV[Phe577=]IAGRVNKGGI

ClinVar aggregate classification (germline): Benign/Likely benign. Review status: criteria provided, multiple submitters, no conflicts (2 of 4 stars). 6 submissions from 6 submitters: Benign (3); Likely benign (2). 1 of the submissions does not count toward it. Last evaluated 2026-02-02.

Conditions:
Galactosylceramide beta-galactosidase deficiency. Also called: GALACTOCEREBROSIDASE DEFICIENCY; GALC DEFICIENCY; GLOBOID CELL LEUKOENCEPHALOPATHY; Krabbe Disease; Leukodystrophy, Globoid Cell. Identifiers: Orphanet 487, MedGen C0023521, MONDO:0009499, OMIM 245200.
GALC-related disorder. Also called: GALC-related condition.

Allele frequency attached by ClinVar (database versions not stated): gnomAD 0.00006 and 0.00058; TOPMed 0.00014; gnomAD exomes 0.00187; ExAC 0.00201; 1000 Genomes Project 0.00339; 1000 Genomes Project 30x 0.00344.
gnomAD v4.1: 1,352 of 1,599,724 alleles (0.085%); highest among the groups gnomAD compares: South Asian, 1.4%; 19 homozygotes.

Submissions (6):

Labcorp Genetics (formerly Invitae), Labcorp
Classification: Benign for Galactosylceramide beta-galactosidase deficiency. Last evaluated: 2026-02-02. Review status: criteria provided, single submitter. Criteria: Invitae Variant Classification Sherloc (09022015). Collection method: clinical testing. Allele origin: germline.

CeGaT Center for Human Genetics Tuebingen
Classification: Benign. Last evaluated: 2025-05-01. Review status: criteria provided, single submitter. Criteria: CeGaT Center For Human Genetics Tuebingen Variant Classification Criteria Version 2. Collection method: clinical testing. Allele origin: germline. Affected: yes. Observed: 2 variant alleles.
Comment: GALC: BP4, BP7, BS1, BS2

PreventionGenetics, part of Exact Sciences
Classification: Likely benign for GALC-related condition. Last evaluated: 2025-01-25. Review status: criteria provided, single submitter. Criteria: ACMG Guidelines, 2015. Collection method: clinical testing. Allele origin: germline.
Comment: This variant is classified as likely benign based on ACMG/AMP sequence variant interpretation guidelines (Richards et al. 2015 PMID: 25741868, with internal and published modifications).

Women's Health and Genetics/Laboratory Corporation of America, LabCorp
Classification: Benign. Last evaluated: 2018-11-19. Review status: criteria provided, single submitter. Criteria: LabCorp Variant Classification Summary - May 2015. Collection method: clinical testing. Allele origin: germline.
Comment: Variant summary: GALC c.1731C>T alters a non-conserved nucleotide resulting in a synonymous change. The variant allele was found at a frequency of 0.0017 in 276260 control chromosomes, predominantly at a frequency of 0.014 within the South Asian subpopulation in the gnomAD database, including 10 homozygotes. The observed variant frequency within South Asian control individuals in the gnomAD database is approximately 6-fold of the estimated maximal expected allele frequency for a pathogenic variant in GALC causing Krabbe Disease phenotype (0.0022), strongly suggesting that the variant is a benign polymorphism found primarily in populations of South Asian origin. To our knowledge, no occurrence of c.1731C>T in individuals affected with Krabbe Disease and no experimental evidence demonstrating its impact on protein function have been reported. One clinical diagnostic laboratory has submitted clinical-significance assessments for this variant to ClinVar after 2014 without evidence for independent evaluation and classified the variant as uncertain significance. Based on the evidence outlined above, the variant was classified as benign.

Illumina Laboratory Services, Illumina
Classification: Likely benign for Galactosylceramide beta-galactosidase deficiency. Last evaluated: 2018-01-12. Review status: criteria provided, single submitter. Criteria: ICSL Variant Classification Criteria 13 December 2019. Collection method: clinical testing. Allele origin: germline.
Comment: This variant was observed in the ICSL laboratory as part of a predisposition screen in an ostensibly healthy population. It had not been previously curated by ICSL or reported in the Human Gene Mutation Database (HGMD: prior to June 1st, 2018), and was therefore a candidate for classification through an automated scoring system. Utilizing variant allele frequency, disease prevalence and penetrance estimates, and inheritance mode, an automated score was calculated to assess if this variant is too frequent to cause the disease. Based on the score and internal cut-off values, a variant classified as likely benign is not then subjected to further curation. The score for this variant resulted in a classification of likely benign for this disease.

Natera, Inc.
Classification: Likely benign for Galactosylceramide beta-galactosidase deficiency. Last evaluated: 2019-10-24. Review status: no assertion criteria provided. Collection method: clinical testing. Allele origin: germline. Not counted in ClinVar's aggregate classification.